The following is an entry in ClinVar:

ClinVar aggregate classification (germline): Likely benign (1 of 4 stars; one submission).

gnomAD v4.1: 137 of 1,614,014 alleles (0.0085%); highest among the groups gnomAD compares: Admixed American, 0.21%; no homozygotes.

Submission:

CeGaT Center for Human Genetics Tuebingen
Classification: Likely benign. Last evaluated: 2026-08-01. Review status: criteria provided, single submitter. Criteria: CeGaT Center For Human Genetics Tuebingen Variant Classification Criteria Version 2. Collection method: clinical testing. Allele origin: germline. Affected: yes. Observed: 2 variant alleles.
Comment: TMEM63B: BP4, BS1

NM_018426.3(TMEM63B):c.987+4T>C

Gene: TMEM63B (transmembrane protein 63B; plus strand). Cytogenetic location: 6p21.1.
Variant type: single nucleotide variant.
Coding change: c.987+4T>C on transcript NM_018426.3 (MANE Select); 4 bases into the intron after coding-DNA position 987, T replaced by C.
Molecular consequence: intron variant.
Genome position (GRCh38, 1-based): chr6:44,147,504, T>C. VCF-style: chr6-44147504-T-C. GRCh37 (hg19) VCF-style: chr6-44115241-T-C.
Other names: c.987+4T>C (NM_001318792.1).
Identifiers: ClinVar variation 4873924 (VCV004873924.2).